The following is an entry in ClinVar:

ClinVar aggregate classification (germline): Likely benign (1 of 4 stars; one submission).

Allele frequency attached by ClinVar (database versions not stated): 1000 Genomes Project 30x 0.00156; 1000 Genomes Project 0.00160; gnomAD exomes 0.00333; TOPMed 0.00348; gnomAD 0.00367.
gnomAD v4.1: 777 of 217,788 alleles (0.36%); highest among the groups gnomAD compares: Non-Finnish European, 0.58%; 4 homozygotes.

Submission:

CeGaT Center for Human Genetics Tuebingen
Classification: Likely benign. Last evaluated: 2026-07-01. Review status: criteria provided, single submitter. Criteria: CeGaT Center For Human Genetics Tuebingen Variant Classification Criteria Version 2. Collection method: clinical testing. Allele origin: germline. Affected: yes. Observed: 16 variant alleles.
Comment: BRD4: BS2

NM_001379291.1(BRD4):c.2159-3665C>T

Gene: BRD4 (bromodomain containing 4; minus strand). Cytogenetic location: 19p13.12.
Variant type: single nucleotide variant.
Coding change: c.2159-3665C>T on transcript NM_001379291.1 (MANE Select); 3665 bases into the intron before coding-DNA position 2159, C replaced by T.
Molecular consequence: intron variant. On other transcripts: 3 prime UTR variant (2).
Genome position (GRCh38, 1-based): chr19:15,248,427, G>A on the plus strand (C>T on the coding strand, the complement: BRD4 is on the minus strand). VCF-style: chr19-15248427-G-A. GRCh37 (hg19) VCF-style: chr19-15359238-G-A.
Other names: c.*853C>T (NM_001379292.1, NM_014299.3); c.2159-3665C>T (NM_058243.3).
Identifiers: ClinVar variation 2571034 (VCV002571034.27), dbSNP rs148194439, ClinGen allele CA305794907.